The following is an entry in ClinVar:

NM_001367871.1(FBRSL1):c.1378-2A>G

Gene: FBRSL1 (fibrosin like 1; plus strand). Cytogenetic location: 12q24.33.
Variant type: single nucleotide variant.
Coding change: c.1378-2A>G on transcript NM_001367871.1 (MANE Select); the canonical splice acceptor site of the intron before coding-DNA position 1378, A replaced by G.
Molecular consequence: splice acceptor variant. On other transcripts: intron variant (1).
Genome position (GRCh38, 1-based): chr12:132,572,286, A>G. VCF-style: chr12-132572286-A-G. GRCh37 (hg19) VCF-style: chr12-133148872-A-G.
Other names: c.1432-2A>G (NM_001382739.1, NM_001142641.2); c.1213+1746A>G (NM_001382740.1).
Identifiers: ClinVar variation 5009215 (VCV005009215.1).

ClinVar aggregate classification (germline): Uncertain significance (1 of 4 stars; one submission).

gnomAD v4.1: 1 of 1,550,896 alleles (0.000064%); highest among the groups gnomAD compares: South Asian, 0.0012%; no homozygotes.

Submission:

GeneDx
Classification: Uncertain significance. Last evaluated: 2026-03-18. Review status: criteria provided, single submitter. Criteria: GeneDx Variant Classification Process June 2021. Collection method: clinical testing. Allele origin: germline.
Comment: Not observed at significant frequency in large population cohorts (gnomAD); Canonical splice site variant with an unclear effect on protein function; Has not been previously published as pathogenic or benign to our knowledge